The following is an entry in ClinVar:

ClinVar aggregate classification (germline): Conflicting classifications of pathogenicity. Review status: criteria provided, conflicting classifications (1 of 4 stars). 2 submissions from 2 submitters: Uncertain significance (1); Likely benign (1). Last evaluated 2026-03-02.

Conditions:
FG syndrome (FGS). Identifiers: MedGen C0220769, MONDO:0002010.
Familial thoracic aortic aneurysm and aortic dissection (TAAD). Also called: Thoracic aortic aneurysms and dissections. Identifiers: Orphanet 91387, MedGen C4707243, MONDO:0019625.

Allele frequency attached by ClinVar (database versions not stated): TOPMed 0.00002.
gnomAD v4.1: 1 of 1,211,539 alleles (0.000083%); no homozygotes.

Submissions (2):

Ambry Genetics
Classification: Likely benign for Familial thoracic aortic aneurysm and aortic dissection. Last evaluated: 2026-03-02. Review status: criteria provided, single submitter. Criteria: Ambry Variant Classification Scheme 2023. Collection method: clinical testing. Allele origin: germline.

Labcorp Genetics (formerly Invitae), Labcorp
Classification: Uncertain significance for FG syndrome. Last evaluated: 2025-02-22. Review status: criteria provided, single submitter. Criteria: Invitae Variant Classification Sherloc (09022015). Collection method: clinical testing. Allele origin: germline.
Comment: This sequence change replaces serine, which is neutral and polar, with isoleucine, which is neutral and non-polar, at codon 313 of the MED12 protein (p.Ser313Ile). This variant is not present in population databases (gnomAD no frequency). This variant has not been reported in the literature in individuals affected with MED12-related conditions. ClinVar contains an entry for this variant (Variation ID: 1766771). Invitae Evidence Modeling of protein sequence and biophysical properties (such as structural, functional, and spatial information, amino acid conservation, physicochemical variation, residue mobility, and thermodynamic stability) indicates that this missense variant is not expected to disrupt MED12 protein function with a negative predictive value of 95%. In summary, the available evidence is currently insufficient to determine the role of this variant in disease. Therefore, it has been classified as a Variant of Uncertain Significance.

NM_005120.3(MED12):c.938G>T (p.Ser313Ile)

Gene: MED12 (mediator complex subunit 12; plus strand). Cytogenetic location: Xq13.1.
Variant type: single nucleotide variant.
Coding change: c.938G>T on transcript NM_005120.3 (MANE Select); coding-DNA position 938, G replaced by T.
Protein change: p.Ser313Ile; replaces serine 313 with isoleucine.
Molecular consequence: missense variant.
Genome position (GRCh38, 1-based): chrX:71,121,653, G>T. VCF-style: chrX-71121653-G-T. GRCh37 (hg19) VCF-style: chrX-70341503-G-T.
Other names: short protein forms S313I.
Identifiers: ClinVar variation 1766771 (VCV001766771.5), dbSNP rs1317622485, ClinGen allele CA413504686.
Genomic context (GRCh38, chrX:71,121,653, plus strand): 5'-TGTCCCGCCGGCTTGCCTACTTCTGTACACGGAGACTGGCCCTGCAGCTGGATGGTGTGA[G>T]CAGTCACTCATCTCATGTTATATCTGCTCAGTCAACAAGCACGCTACCCACCACCCCTGC-3'
Protein context (NP_005111.2, residues 303-323): RRLALQLDGV[Ser313Ile]SHSSHVISAQ